The following is an entry in ClinVar:

ClinVar aggregate classification (germline): Uncertain significance (1 of 4 stars; one submission).

Conditions:
Hajdu-Cheney syndrome (HJCYS). Also called: SERPENTINE FIBULA-POLYCYSTIC KIDNEY SYNDROME; Acroosteolysis dominant type; ACROOSTEOLYSIS WITH OSTEOPOROSIS AND CHANGES IN SKULL AND MANDIBLE. Identifiers: Orphanet 955, MedGen C0917715, MONDO:0007057, OMIM 102500.

Submission:

Labcorp Genetics (formerly Invitae), Labcorp
Classification: Uncertain significance for Hajdu-Cheney syndrome. Last evaluated: 2025-12-10. Review status: criteria provided, single submitter. Criteria: Invitae Variant Classification Sherloc (09022015). Collection method: clinical testing. Allele origin: germline.
Comment: This sequence change replaces glutamic acid, which is acidic and polar, with lysine, which is basic and polar, at codon 414 of the NOTCH2 protein (p.Glu414Lys). This variant is not present in population databases (gnomAD no frequency). This variant has not been reported in the literature in individuals affected with NOTCH2-related conditions. Invitae Evidence Modeling of protein sequence and biophysical properties (such as structural, functional, and spatial information, amino acid conservation, physicochemical variation, residue mobility, and thermodynamic stability) indicates that this missense variant is not expected to disrupt NOTCH2 protein function with a negative predictive value of 80%. In summary, the available evidence is currently insufficient to determine the role of this variant in disease. Therefore, it has been classified as a Variant of Uncertain Significance.

NM_024408.4(NOTCH2):c.1240G>A (p.Glu414Lys)

Gene: NOTCH2 (notch receptor 2; minus strand). Cytogenetic location: 1p12.
Variant type: single nucleotide variant.
Coding change: c.1240G>A on transcript NM_024408.4 (MANE Select); coding-DNA position 1240, G replaced by A.
Protein change: p.Glu414Lys; replaces glutamic acid 414 with lysine.
Molecular consequence: missense variant.
Genome position (GRCh38, 1-based): chr1:119,968,101, C>T on the plus strand (G>A on the coding strand, the complement: NOTCH2 is on the minus strand). VCF-style: chr1-119968101-C-T. GRCh37 (hg19) VCF-style: chr1-120510724-C-T.
Other names: c.1240G>A, p.Glu414Lys (NM_001200001.2); short protein forms E414K.
Identifiers: ClinVar variation 4746147 (VCV004746147.1).